The following is an entry in ClinVar:

NM_004237.4(TRIP13):c.92+7C>T

Gene: TRIP13 (thyroid hormone receptor interactor 13; plus strand). Cytogenetic location: 5p15.33.
Variant type: single nucleotide variant.
Coding change: c.92+7C>T on transcript NM_004237.4 (MANE Select); 7 bases into the intron after coding-DNA position 92, C replaced by T.
Molecular consequence: intron variant.
Genome position (GRCh38, 1-based): chr5:893,097, C>T. VCF-style: chr5-893097-C-T. GRCh37 (hg19) VCF-style: chr5-893212-C-T.
Other names: c.92+7C>T (NM_001166260.2).
Identifiers: ClinVar variation 3358469 (VCV003358469.3).
Genomic context (GRCh38, chr5:893,097, plus strand): 5'-CTGTGTGGCCGAGTCGCCAACGGTCCACGTGGAGGTGCATCAGCGCGGCAGCAGGTGAGC[C>T]GGACCTGTCCGACACATCCTCTGGGCACCCACCCGCCCCGACCCCAGCGCGTGCACCGAG-3'

ClinVar aggregate classification (germline): Likely benign. Review status: criteria provided, single submitter (1 of 4 stars). 2 submissions from 2 submitters: Likely benign (1). 1 of the submissions does not count toward it. Last evaluated 2024-09-24.

Conditions:
TRIP13-related disorder. Also called: TRIP13-related condition.

gnomAD v4.1: 30 of 1,583,352 alleles (0.0019%); highest among the groups gnomAD compares: Middle Eastern, 0.034%; no homozygotes.

Submissions (2):

Labcorp Genetics (formerly Invitae), Labcorp
Classification: Likely benign. Last evaluated: 2024-09-24. Review status: criteria provided, single submitter. Criteria: Invitae Variant Classification Sherloc (09022015). Collection method: clinical testing. Allele origin: germline.

PreventionGenetics, part of Exact Sciences
Classification: Likely benign for TRIP13-related condition. Last evaluated: 2024-08-07. Review status: no assertion criteria provided. Collection method: clinical testing. Allele origin: germline. Not counted in ClinVar's aggregate classification.
Comment: This variant is classified as likely benign based on ACMG/AMP sequence variant interpretation guidelines (Richards et al. 2015 PMID: 25741868, with internal and published modifications).